The following is an entry in ClinVar:

ClinVar aggregate classification (germline): Uncertain significance (1 of 4 stars; one submission).

Submission:

Ambry Genetics
Classification: Uncertain significance. Last evaluated: 2023-11-21. Review status: criteria provided, single submitter. Criteria: Ambry Variant Classification Scheme 2023. Collection method: clinical testing. Allele origin: germline.
Comment: The c.37_39dupTCT variant (also known as p.S13dup), located in coding exon 2 of the RECQL gene, results from an in-frame duplication of TCT at nucleotide positions 37 to 39. This results in the duplication of an extra serine residue between codons 13 and 14. This amino acid position is well conserved in available vertebrate species. In addition, the in silico prediction for this alteration is inconclusive (Choi Y et al. PLoS ONE. 2012; 7(10):e46688). The evidence for this gene-disease relationship is limited; therefore, the clinical significance of this alteration is unclear.

NM_002907.4(RECQL):c.37_39dup (p.Ser13_Ile14insSer)

Gene: RECQL (RecQ like helicase; minus strand). Cytogenetic location: 12p12.1.
Variant type: Duplication.
Coding change: c.37_39dup on transcript NM_002907.4 (MANE Select); coding-DNA positions 37 to 39, 3 bases duplicated (TCT; older notation c.37_39dupTCT).
Protein change: p.Ser13_Ile14insSer.
Molecular consequence: inframe insertion.
Genome position (GRCh38, 1-based): chr12:21,491,694-21,491,696, AGA duplicated on the plus strand (TCT on the coding strand, the reverse complement: RECQL is on the minus strand); duplicating any 3 consecutive bases within chr12:21,491,694-21,491,697 gives the same sequence; the c. name uses the placement nearest the transcript's 3' end. VCF-style (leftmost placement, unchanged base first): chr12-21491693-T-TAGA. GRCh37 (hg19) VCF-style: chr12-21644627-T-TAGA.
Other names: c.37_39dup, p.Ser13_Ile14insSer (NM_032941.3).
Identifiers: ClinVar variation 3222968 (VCV003222968.1), dbSNP rs2540405900, ClinGen allele CA2825002075.
Genomic context (GRCh38, chr12:21,491,693, plus strand): 5'-CTTGTTGCCTTTCCGTAAGTTCTTGAATTTGAATTTCTACTGCATGTAGCTCACTGGTTA[T>TAGA]AGAATCCAGTTCCTCAGTTAGAGCTATGGGAGGCAGCGCGGATACAATGATTAGACAGAG-3'